The following is an entry in ClinVar:

NM_001429.4(EP300):c.5816A>G (p.Gln1939Arg)

Gene: EP300 (E1A binding protein p300; plus strand). Cytogenetic location: 22q13.2.
Variant type: single nucleotide variant.
Coding change: c.5816A>G on transcript NM_001429.4 (MANE Select); coding-DNA position 5816, A replaced by G.
Protein change: p.Gln1939Arg; replaces glutamine 1939 with arginine.
Molecular consequence: missense variant.
Genome position (GRCh38, 1-based): chr22:41,177,527, A>G. VCF-style: chr22-41177527-A-G. GRCh37 (hg19) VCF-style: chr22-41573531-A-G.
Other names: c.5738A>G, p.Gln1913Arg (NM_001362843.2); short protein forms Q1913R, Q1939R.
Identifiers: ClinVar variation 3349935 (VCV003349935.1).

ClinVar aggregate classification (germline): Uncertain significance (0 of 4 stars; one submission).

Conditions:
EP300-related disorder. Also called: EP300-related condition; EP300-related disorders.

gnomAD v4.1: 1 of 1,614,176 alleles (0.000062%); no homozygotes.

Submission:

PreventionGenetics, part of Exact Sciences
Classification: Uncertain significance for EP300-related condition. Last evaluated: 2023-11-29. Review status: no assertion criteria provided. Collection method: clinical testing. Allele origin: germline.
Comment: The EP300 c.5816A>G variant is predicted to result in the amino acid substitution p.Gln1939Arg. To our knowledge, this variant has not been reported in the literature. This variant is reported in 0.0046% of alleles in individuals of European (Finnish) descent in gnomAD. At this time, the clinical significance of this variant is uncertain due to the absence of conclusive functional and genetic evidence.